The following is an entry in ClinVar:

ClinVar aggregate classification (germline): Uncertain significance (1 of 4 stars; one submission).

Submission:

Labcorp Genetics (formerly Invitae), Labcorp
Classification: Uncertain significance. Last evaluated: 2021-10-28. Review status: criteria provided, single submitter. Criteria: Invitae Variant Classification Sherloc (09022015). Collection method: clinical testing. Allele origin: germline.
Comment: In summary, the available evidence is currently insufficient to determine the role of this variant in disease. Therefore, it has been classified as a Variant of Uncertain Significance. Experimental studies and prediction algorithms are not available or were not evaluated, and the functional significance of this variant is currently unknown. This variant has not been reported in the literature in individuals affected with POLE2-related conditions. This variant is not present in population databases (gnomAD no frequency). This sequence change creates a premature translational stop signal (p.Asp347Ilefs*2) in the POLE2 gene. It is expected to result in an absent or disrupted protein product. However, the current clinical and genetic evidence is not sufficient to establish whether loss-of-function variants in POLE2 cause disease.

NM_002692.4(POLE2):c.1038del (p.Asp347fs)

Gene: POLE2 (DNA polymerase epsilon 2, accessory subunit; minus strand). Cytogenetic location: 14q21.3.
Variant type: Deletion.
Coding change: c.1038del on transcript NM_002692.4 (MANE Select); coding-DNA position 1038, one base deleted (A; older notation c.1038delA).
Protein change: p.Asp347fs; shifts the reading frame from aspartic acid 347.
Molecular consequence: frameshift variant.
Genome position (GRCh38, 1-based): chr14:49,654,819, T deleted on the plus strand (A on the coding strand, the reverse complement: POLE2 is on the minus strand). VCF-style (leftmost placement, unchanged base first): chr14-49654818-CT-C. GRCh37 (hg19) VCF-style: chr14-50121536-CT-C.
Other names: c.960del, p.Asp321fs (NM_001197330.2); c.1038del, p.Asp347fs (NM_001197331.3, NM_001348384.2); c.807del, p.Asp270fs (NM_001348385.2); short protein forms D270fs, D321fs, D347fs.
Identifiers: ClinVar variation 1500014 (VCV001500014.6), dbSNP rs2139622574, ClinGen allele CA2573149996.